The following is an entry in ClinVar:

ClinVar aggregate classification (germline): Uncertain significance. Review status: criteria provided, multiple submitters, no conflicts (2 of 4 stars). 2 submissions from 2 submitters: Uncertain significance (2). Last evaluated 2026-03-05.

Conditions:
CRB1-related disorder. Also called: CRB1-related condition; CRB1-related disorders.
Retinitis pigmentosa 12 (RP12). Also called: RP WITH OR WITHOUT PRESERVED PARAARTERIOLE RETINAL PIGMENT EPITHELIUM; RETINITIS PIGMENTOSA WITH OR WITHOUT PARAARTERIOLAR PRESERVATION OF RETINAL PIGMENT EPITHELIUM; RP WITH OR WITHOUT PPRPE. Identifiers: Orphanet 791, MedGen C1838647, MONDO:0010818, OMIM 600105.
Leber congenital amaurosis 8 (LCA8). Identifiers: Orphanet 65, MedGen C3151202, MONDO:0013453, OMIM 613835.

Allele frequency attached by ClinVar (database versions not stated): ExAC 0.00007; TOPMed 0.00008; gnomAD 0.00009; 1000 Genomes Project 30x 0.00016; 1000 Genomes Project 0.00020; ESP Exome Variant Server 0.00023.
gnomAD v4.1: 27 of 1,614,148 alleles (0.0017%); highest among the groups gnomAD compares: African/African-American, 0.02%; no homozygotes.

Submissions (2):

PreventionGenetics, part of Exact Sciences
Classification: Uncertain significance for CRB1-related condition. Last evaluated: 2026-03-05. Review status: criteria provided, single submitter. Criteria: ACMG Guidelines, 2015. Collection method: clinical testing. Allele origin: germline.
Comment: The CRB1 c.3987C>T variant is not predicted to result in an amino acid change (p.=). To our knowledge, this variant has not been reported in the literature. This variant is predicted to alter splicing based on available splicing prediction programs (SpliceAI, Jaganathan et al. 2019. PubMed ID: 30661751). However, the use of computer prediction programs is not equivalent to functional evidence. This variant is reported in 0.032% of alleles in individuals of African descent in gnomAD. At this time, the clinical significance of this variant is uncertain due to the absence of conclusive functional and genetic evidence.

Labcorp Genetics (formerly Invitae), Labcorp
Classification: Uncertain significance for Leber congenital amaurosis 8; Retinitis pigmentosa 12. Last evaluated: 2022-08-16. Review status: criteria provided, single submitter. Criteria: Invitae Variant Classification Sherloc (09022015). Collection method: clinical testing. Allele origin: germline.
Comment: This sequence change affects codon 1329 of the CRB1 mRNA. It is a 'silent' change, meaning that it does not change the encoded amino acid sequence of the CRB1 protein. This variant is present in population databases (rs138108243, gnomAD 0.03%). This variant has not been reported in the literature in individuals affected with CRB1-related conditions. Algorithms developed to predict the effect of sequence changes on RNA splicing suggest that this variant may disrupt the consensus splice site. In summary, the available evidence is currently insufficient to determine the role of this variant in disease. Therefore, it has been classified as a Variant of Uncertain Significance.

NM_201253.3(CRB1):c.3987C>T (p.Gly1329=)

Gene: CRB1 (crumbs cell polarity complex component 1; plus strand). Cytogenetic location: 1q31.3.
Variant type: single nucleotide variant.
Coding change: c.3987C>T on transcript NM_201253.3 (MANE Select); coding-DNA position 3987, C replaced by T.
Protein change: p.Gly1329=; no amino-acid change (glycine 1329 retained).
Molecular consequence: synonymous variant. On other transcripts: non-coding transcript variant (2).
Genome position (GRCh38, 1-based): chr1:197,442,274, C>T. VCF-style: chr1-197442274-C-T. GRCh37 (hg19) VCF-style: chr1-197411404-C-T.
Other names: c.3651C>T, p.Gly1217= (NM_001193640.2); c.3915C>T, p.Gly1305= (NM_001257965.2); c.2379C>T, p.Gly793= (NM_001257966.2); c.3987C>T (NM_201253.2).
Identifiers: ClinVar variation 2154512 (VCV002154512.2), dbSNP rs138108243, ClinGen allele CA1312455.